The following is an entry in ClinVar:

NM_000548.5(TSC2):c.2308C>A (p.Leu770Met)

Gene: TSC2 (TSC complex subunit 2; plus strand). Cytogenetic location: 16p13.3.
Variant type: single nucleotide variant.
Coding change: c.2308C>A on transcript NM_000548.5 (MANE Select); coding-DNA position 2308, C replaced by A.
Protein change: p.Leu770Met; replaces leucine 770 with methionine.
Molecular consequence: missense variant.
Genome position (GRCh38, 1-based): chr16:2,072,936, C>A. VCF-style: chr16-2072936-C-A. GRCh37 (hg19) VCF-style: chr16-2122937-C-A.
Other names: c.2308C>A, p.Leu770Met (NM_001077183.3, NM_001114382.3, NM_001363528.2 and 3 more transcripts); c.2197C>A, p.Leu733Met (NM_001318827.2); c.2161C>A, p.Leu721Met (NM_001318829.2); c.1708C>A, p.Leu570Met (NM_001318831.2); c.2341C>A, p.Leu781Met (NM_001318832.2); short protein forms L770M, L721M, L733M, L781M, L570M.
Identifiers: ClinVar variation 535910 (VCV000535910.15), dbSNP rs762215859, ClinGen allele CA394276619.

ClinVar aggregate classification (germline): Uncertain significance. Review status: criteria provided, multiple submitters, no conflicts (2 of 4 stars). 3 submissions from 3 submitters: Uncertain significance (3). Last evaluated 2024-03-11.

Conditions:
Hereditary cancer-predisposing syndrome. Also called: Neoplastic Syndromes, Hereditary; Tumor predisposition; Hereditary Cancer Syndrome; Hereditary neoplastic syndrome. Identifiers: Orphanet 140162, MedGen C0027672, MeSH D009386, MONDO:0015356.
Tuberous sclerosis 2 (TSC2). Identifiers: Orphanet 805, MedGen C1860707, MONDO:0013199, OMIM 613254.

gnomAD v4.1: 2 of 1,613,648 alleles (0.00012%); highest among the groups gnomAD compares: Non-Finnish European, 0.00017%; no homozygotes.

Submissions (3):

Ambry Genetics
Classification: Uncertain significance for Hereditary cancer-predisposing syndrome. Last evaluated: 2024-03-11. Review status: criteria provided, single submitter. Criteria: Ambry Variant Classification Scheme 2023. Collection method: clinical testing. Allele origin: germline.
Comment: The p.L770M variant (also known as c.2308C>A), located in coding exon 20 of the TSC2 gene, results from a C to A substitution at nucleotide position 2308. The leucine at codon 770 is replaced by methionine, an amino acid with highly similar properties. This amino acid position is conserved. In addition, this alteration is predicted to be deleterious by in silico analysis. Based on the available evidence, the clinical significance of this alteration remains unclear.

Greenwood Genetic Center Diagnostic Laboratories, Greenwood Genetic Center
Classification: Uncertain significance. Last evaluated: 2022-03-30. Review status: criteria provided, single submitter. Criteria: ACMG Guidelines, 2015. Collection method: clinical testing. Allele origin: germline. Affected: yes.
Comment: PM2, PP3

Labcorp Genetics (formerly Invitae), Labcorp
Classification: Uncertain significance for Tuberous sclerosis 2. Last evaluated: 2020-11-14. Review status: criteria provided, single submitter. Criteria: Invitae Variant Classification Sherloc (09022015). Collection method: clinical testing. Allele origin: germline.
Comment: This sequence change replaces leucine with methionine at codon 770 of the TSC2 protein (p.Leu770Met). The leucine residue is highly conserved and there is a small physicochemical difference between leucine and methionine. This variant is not present in population databases (ExAC no frequency). This variant has not been reported in the literature in individuals with TSC2-related disease. Algorithms developed to predict the effect of missense changes on protein structure and function do not agree on the potential impact of this missense change (SIFT: "Deleterious"; PolyPhen-2: "Probably Damaging"; Align-GVGD: "Class C0"). In summary, the available evidence is currently insufficient to determine the role of this variant in disease. Therefore, it has been classified as a Variant of Uncertain Significance.